The following is an entry in ClinVar:

ClinVar aggregate classification (germline): Likely benign (1 of 4 stars; one submission).

Conditions:
P2RX5-related disorder. Also called: P2RX5-related condition.

gnomAD v4.1: 46 of 1,583,918 alleles (0.0029%); highest among the groups gnomAD compares: Admixed American, 0.017%; no homozygotes.

Submission:

PreventionGenetics, part of Exact Sciences
Classification: Likely benign for P2RX5-related condition. Last evaluated: 2026-02-06. Review status: criteria provided, single submitter. Criteria: ACMG Guidelines, 2015. Collection method: clinical testing. Allele origin: germline.
Comment: This variant is classified as likely benign based on ACMG/AMP sequence variant interpretation guidelines (Richards et al. 2015 PMID: 25741868, with internal and published modifications).

NM_002561.4(P2RX5):c.963C>T (p.Asp321=)

Genes: P2RX5 (purinergic receptor P2X 5; minus strand), P2RX5-TAX1BP3 (P2RX5-TAX1BP3 readthrough (NMD candidate); minus strand). Cytogenetic location: 17p13.2.
Variant type: single nucleotide variant.
Coding change: c.963C>T on transcript NM_002561.4 (MANE Select); coding-DNA position 963, C replaced by T.
Protein change: p.Asp321=; no amino-acid change (aspartic acid 321 retained).
Molecular consequence: synonymous variant. On other transcripts: non-coding transcript variant (1).
Genome position (GRCh38, 1-based): chr17:3,688,030, G>A on the plus strand (C>T on the coding strand, the complement: P2RX5 is on the minus strand). VCF-style: chr17-3688030-G-A. GRCh37 (hg19) VCF-style: chr17-3591324-G-A.
Other names: c.960C>T, p.Asp320= (NM_001204519.2); c.891C>T, p.Asp297= (NM_001204520.2); c.339C>T, p.Asp113= (NM_001425082.1, NM_001425083.1, NM_001425084.1 and 1 more transcripts); c.888C>T, p.Asp296= (NM_175080.3).
Identifiers: ClinVar variation 4988911 (VCV004988911.1).
Genomic context (GRCh38, chr17:3,688,030, plus strand): 5'-CCGCCCCCCGCCCAGCCTCAGAACAGGAGAAGGCACACGCACCTTGCCGTTCACCATCAC[G>A]TCAAAGCGGATCCCGTAGGCTTTCATCAGGGTGCGGAACTCCACCCCGGCTGCGTCTCGG-3'
Protein context (NP_002552.2, residues 311-331): TLMKAYGIRF[Asp321=]VMVNGKGAFF